The following is an entry in ClinVar:

NM_001267550.2(TTN):c.107477C>T (p.Ser35826Phe)

Genes: TTN (titin; minus strand), TTN-AS1 (TTN antisense RNA 1; plus strand). Cytogenetic location: 2q31.2.
Variant type: single nucleotide variant.
Coding change: c.107477C>T on transcript NM_001267550.2 (MANE Select); coding-DNA position 107477, C replaced by T.
Protein change: p.Ser35826Phe; replaces serine 35826 with phenylalanine.
Molecular consequence: missense variant.
Genome position (GRCh38, 1-based): chr2:178,527,649, G>A on the plus strand (C>T on the coding strand, the complement: TTN is on the minus strand). VCF-style: chr2-178527649-G-A. GRCh37 (hg19) VCF-style: chr2-179392376-G-A.
Other names: c.102554C>T, p.Ser34185Phe (NM_001256850.1); c.80282C>T, p.Ser26761Phe (NM_003319.4); c.99773C>T, p.Ser33258Phe (NM_133378.4); c.80657C>T, p.Ser26886Phe (NM_133432.3); c.80858C>T, p.Ser26953Phe (NM_133437.4); short protein forms S26761F, S26953F, S34185F, S33258F, S35826F, S26886F.
Identifiers: ClinVar variation 4793824 (VCV004793824.1).

ClinVar aggregate classification (germline): Uncertain significance (1 of 4 stars; one submission).

Conditions:
Autosomal recessive limb-girdle muscular dystrophy type 2J (LGMDR10). Also called: MUSCULAR DYSTROPHY, LIMB-GIRDLE, AUTOSOMAL RECESSIVE 10; Limb-girdle muscular dystrophy, type 2J. Identifiers: Orphanet 140922, MedGen C1837342, MONDO:0012127, OMIM 608807.
Dilated cardiomyopathy 1G (CMD1G). Identifiers: Orphanet 154, MedGen C1858763, MONDO:0011400, OMIM 604145.

Submission:

Labcorp Genetics (formerly Invitae), Labcorp
Classification: Uncertain significance for Dilated cardiomyopathy 1G; Autosomal recessive limb-girdle muscular dystrophy type 2J. Last evaluated: 2025-09-23. Review status: criteria provided, single submitter. Criteria: Invitae Variant Classification Sherloc (09022015). Collection method: clinical testing. Allele origin: germline.
Comment: This sequence change replaces serine, which is neutral and polar, with phenylalanine, which is neutral and non-polar, at codon 35826 of the TTN protein (p.Ser35826Phe). This variant is not present in population databases (gnomAD no frequency). This variant has not been reported in the literature in individuals affected with TTN-related conditions. Experimental studies and prediction algorithms are not available or were not evaluated, and the functional significance of this variant is currently unknown. This variant is located in the M band of TTN (PMID: 25589632). Non-truncating variants in this region may be relevant for neuromuscular disorders, but have not been definitively shown to cause cardiomyopathy (PMID: 23975875). In summary, the available evidence is currently insufficient to determine the role of this variant in disease. Therefore, it has been classified as a Variant of Uncertain Significance.

Literature cited by the submitters: PubMed 25589632; PubMed 23975875.